The following is an entry in ClinVar:

ClinVar aggregate classification (germline): Conflicting classifications of pathogenicity. Review status: criteria provided, conflicting classifications (1 of 4 stars). 4 submissions from 4 submitters: Uncertain significance (3); Likely benign (1). Last evaluated 2026-09-08.

Conditions:
TMPRSS3-related disorder. Also called: TMPRSS3-related condition.
Inborn genetic diseases. Identifiers: MedGen C0950123, MeSH D030342.

Allele frequency attached by ClinVar (database versions not stated): ExAC 0.00002; gnomAD exomes 0.00006 and 0.00012; TOPMed 0.00048; gnomAD 0.00050 and 0.00051.
gnomAD v4.1: 109 of 1,614,090 alleles (0.0068%); highest among the groups gnomAD compares: Admixed American, 0.18%; 3 homozygotes.

Submissions (4):

PreventionGenetics, part of Exact Sciences
Classification: Uncertain significance for TMPRSS3-related condition. Last evaluated: 2026-09-08. Review status: criteria provided, single submitter. Criteria: ACMG Guidelines, 2015. Collection method: clinical testing. Allele origin: germline.
Comment: The TMPRSS3 c.347T>C variant is predicted to result in the amino acid substitution p.Val116Ala. To our knowledge, this variant has not been reported in the literature. This variant is reported in 0.090% of alleles in individuals of Latino descent in gnomAD. Although we suspect that this variant may be benign, at this time, the clinical significance of this variant is uncertain due to the absence of conclusive functional and genetic evidence.

Ambry Genetics
Classification: Uncertain significance for Inborn genetic diseases. Last evaluated: 2025-08-08. Review status: criteria provided, single submitter. Criteria: Ambry Variant Classification Scheme 2023. Collection method: clinical testing. Allele origin: germline.

GeneDx
Classification: Uncertain significance. Last evaluated: 2024-12-02. Review status: criteria provided, single submitter. Criteria: GeneDx Variant Classification Process June 2021. Collection method: clinical testing. Allele origin: germline. Affected: yes.
Comment: In silico analysis supports that this missense variant has a deleterious effect on protein structure/function; Has not been previously published as pathogenic or benign to our knowledge

Laboratory for Molecular Medicine, Mass General Brigham Personalized Medicine
Classification: Likely benign. Last evaluated: 2015-10-10. Review status: criteria provided, single submitter. Criteria: LMM Criteria. Collection method: clinical testing. Allele origin: germline. Observed: 2 variant alleles.
Comment: p.Val116Ala in exon 5 of TMPRSS3: This variant is not expected to have clinical significance due to a lack of conservation across species, including mammals. Of note, 14 mammals have a Alanine (A) at this position. In addition, computationa l prediction tools do not suggest a high likelihood of impact to the protein. It has been identified in 3/11578 of Latino chromosomes by the Exome Aggregation C onsortium (ExAC; rs201007237).

Literature cited by the submitters: PubMed 21569298 (cited by Laboratory for Molecular Medicine, Mass General Brigham Personalized Medicine).

NM_001256317.3(TMPRSS3):c.347T>C (p.Val116Ala)

Gene: TMPRSS3 (transmembrane serine protease 3; minus strand). Cytogenetic location: 21q22.3.
Variant type: single nucleotide variant.
Coding change: c.347T>C on transcript NM_001256317.3 (MANE Select); coding-DNA position 347, T replaced by C.
Protein change: p.Val116Ala; replaces valine 116 with alanine.
Molecular consequence: missense variant. On other transcripts: 5 prime UTR variant (1).
Genome position (GRCh38, 1-based): chr21:42,388,502, A>G on the plus strand (T>C on the coding strand, the complement: TMPRSS3 is on the minus strand). VCF-style: chr21-42388502-A-G. GRCh37 (hg19) VCF-style: chr21-43808611-A-G.
Other names: c.347T>C, p.Val116Ala (NM_024022.4, NM_032405.2); c.-35T>C (NM_032404.3); short protein forms V116A.
Identifiers: ClinVar variation 46117 (VCV000046117.8), dbSNP rs201007237, ClinGen allele CA137712.